The following is an entry in ClinVar:

ClinVar aggregate classification (germline): Benign. Review status: criteria provided, multiple submitters, no conflicts (2 of 4 stars). 8 submissions from 4 submitters: Benign (8). Last evaluated 2026-09-21.

Conditions:
Osteogenesis imperfecta with normal sclerae, dominant form (OI4). Also called: OSTEOGENESIS IMPERFECTA, TYPE IV, WITH DENTINOGENESIS IMPERFECTA; Osteogenesis Imperfecta Type IV; OSTEOGENESIS IMPERFECTA WITH NORMAL SCLERAE; Common Variable Osteogenesis Imperfecta with Normal Sclerae; Osteogenesis imperfecta type 4. Identifiers: Orphanet 216820, Orphanet 666, MedGen C0268363, MONDO:0008148, OMIM 166220.
Osteogenesis imperfecta, perinatal lethal (OI2). Also called: Osteogenesis imperfecta, dominant perinatal lethal; OSTEOGENESIS IMPERFECTA, TYPE II; OI, TYPE II; OSTEOGENESIS IMPERFECTA CONGENITA; VROLIK TYPE OF OSTEOGENESIS IMPERFECTA; Osteogenesis imperfecta type 2. Identifiers: Orphanet 216804, MedGen C0268358, MONDO:0008147, OMIM 166210.
Osteogenesis imperfecta type I (OI1). Also called: Lobstein's Disease; Lobstein disease; OI, TYPE I; OSTEOGENESIS IMPERFECTA TARDA; OSTEOGENESIS IMPERFECTA WITH BLUE SCLERAE; Classic Non-deforming Osteogenesis Imperfecta with Blue Sclerae. Identifiers: Orphanet 216796, Orphanet 666, MedGen C0023931, MONDO:0008146, OMIM 166200. Disease mechanism: loss of function.
Osteogenesis imperfecta type III (OI3). Also called: Osteogenesis imperfecta type 3; OI type 3; Osteogenesis imperfecta, progressively deforming with normal sclerae; OI type III; Progressively Deforming Osteogenesis Imperfecta. Identifiers: Orphanet 216812, Orphanet 666, MedGen C0268362, MONDO:0009804, OMIM 259420.
Ehlers-Danlos syndrome, arthrochalasia type. Also called: ARTHROCHALASIS MULTIPLEX CONGENITA; EDS VII, MUTANT PROCOLLAGEN TYPE; EDS VIIA; Ehlers-Danlos syndrome, arthrochalasia type, 1; Ehlers-Danlos syndrome, arthrochalasis type. Identifiers: Orphanet 1899, Orphanet 99875, Orphanet 99876, MedGen C4551623, MONDO:0007525, OMIM 130060.

Allele frequency attached by ClinVar (database versions not stated): gnomAD 0.99956 and 0.99960; 1000 Genomes Project 30x 0.99953; 1000 Genomes Project 0.99980; ESP Exome Variant Server 0.99985; TOPMed 0.99944.
gnomAD v4.1: 1,613,821 of 1,613,952 alleles (100%); highest among the groups gnomAD compares: Middle Eastern, 100%; 806,846 homozygotes.

Submissions (8):

Molecular Diagnostic Laboratory for Inherited Cardiovascular Disease, Montreal Heart Institute
Classification: Benign. Last evaluated: 2026-09-21. Review status: criteria provided, single submitter. Criteria: ACMG Guidelines, 2015. Collection method: clinical testing. Allele origin: germline. Affected: no.

Genome-Nilou Lab
Classification: Benign for Ehlers-Danlos syndrome, arthrochalasia type. Last evaluated: 2021-07-22. Review status: criteria provided, single submitter. Criteria: ACMG Guidelines, 2015. Collection method: clinical testing. Allele origin: germline. Affected: no.

Genome-Nilou Lab
Classification: Benign for Osteogenesis imperfecta type I. Last evaluated: 2021-07-22. Review status: criteria provided, single submitter. Criteria: ACMG Guidelines, 2015. Collection method: clinical testing. Allele origin: germline. Affected: no.

Genome-Nilou Lab
Classification: Benign for Osteogenesis imperfecta, perinatal lethal. Last evaluated: 2021-07-22. Review status: criteria provided, single submitter. Criteria: ACMG Guidelines, 2015. Collection method: clinical testing. Allele origin: germline. Affected: no.

Genome-Nilou Lab
Classification: Benign for Osteogenesis imperfecta type III. Last evaluated: 2021-07-22. Review status: criteria provided, single submitter. Criteria: ACMG Guidelines, 2015. Collection method: clinical testing. Allele origin: germline. Affected: no.

Genome-Nilou Lab
Classification: Benign for Osteogenesis imperfecta with normal sclerae, dominant form. Last evaluated: 2021-07-22. Review status: criteria provided, single submitter. Criteria: ACMG Guidelines, 2015. Collection method: clinical testing. Allele origin: germline. Affected: no.

GeneDx
Classification: Benign. Last evaluated: 2018-06-14. Review status: criteria provided, single submitter. Criteria: GeneDx Variant Classification (06012015). Collection method: clinical testing. Allele origin: germline. Affected: yes.
Comment: This variant is considered likely benign or benign based on one or more of the following criteria: it is a conservative change, it occurs at a poorly conserved position in the protein, it is predicted to be benign by multiple in silico algorithms, and/or has population frequency not consistent with disease.

Breakthrough Genomics
Classification: Benign. Review status: criteria provided, single submitter. Criteria: ACMG Guidelines, 2015. Collection method: not provided. Allele origin: germline. Inheritance: Autosomal dominant inheritance. Affected: yes.

NM_000088.4(COL1A1):c.2830-33C>G

Gene: COL1A1 (collagen type I alpha 1 chain; minus strand). Cytogenetic location: 17q21.33.
Variant type: single nucleotide variant.
Coding change: c.2830-33C>G on transcript NM_000088.4 (MANE Select); 33 bases into the intron before coding-DNA position 2830, C replaced by G.
Molecular consequence: intron variant.
Genome position (GRCh38, 1-based): chr17:50,189,308, G>C on the plus strand (C>G on the coding strand, the complement: COL1A1 is on the minus strand). VCF-style: chr17-50189308-G-C. GRCh37 (hg19) VCF-style: chr17-48266669-G-C.
Identifiers: ClinVar variation 674807 (VCV000674807.6), dbSNP rs2586489, ClinGen allele CA8644658.